The following is an entry in ClinVar:

ClinVar aggregate classification (germline): Uncertain significance. Review status: criteria provided, multiple submitters, no conflicts (2 of 4 stars). 4 submissions from 4 submitters: Uncertain significance (4). Last evaluated 2026-09-09.

Conditions:
TTN-related disorder. Also called: TTN-related condition; TTN-related disease; TTN-related disorders.
Early-onset myopathy with fatal cardiomyopathy (CMYO5). Also called: Salih Myopathy; CONGENITAL MYOPATHY 5 WITH CARDIOMYOPATHY. Identifiers: Orphanet 289377, MedGen C2673677, MONDO:0012714, OMIM 611705. Disease mechanism: loss of function.
Dilated cardiomyopathy 1G (CMD1G). Identifiers: Orphanet 154, MedGen C1858763, MONDO:0011400, OMIM 604145.
Autosomal recessive limb-girdle muscular dystrophy type 2J (LGMDR10). Also called: Limb-girdle muscular dystrophy, type 2J; MUSCULAR DYSTROPHY, LIMB-GIRDLE, AUTOSOMAL RECESSIVE 10. Identifiers: Orphanet 140922, MedGen C1837342, MONDO:0012127, OMIM 608807.
Tibial muscular dystrophy (TMD). Also called: Tibial muscular dystrophy, tardive; Udd Distal Myopathy – Tibial Muscular Dystrophy; UDD MYOPATHY. Identifiers: Orphanet 609, MedGen C1838244, MONDO:0010870, OMIM 600334.
Myopathy, myofibrillar, 9, with early respiratory failure (MFM9). Also called: Myopathy, distal, with early respiratory failure, autosomal dominant; MYOPATHY, PROXIMAL, WITH EARLY RESPIRATORY MUSCLE INVOLVEMENT; Hereditary myopathy with early respiratory failure; EDSTROM MYOPATHY. Identifiers: Orphanet 178464, Orphanet 34521, MedGen C1863599, MONDO:0011362, OMIM 603689.
Hypertrophic cardiomyopathy 9. Also called: Familial hypertrophic cardiomyopathy 9. Identifiers: MedGen C1861065, MONDO:0013412, OMIM 613765.

Allele frequency attached by ClinVar (database versions not stated): ExAC 0.00001; gnomAD exomes 0.00001; gnomAD 0.00004 and 0.00005; TOPMed 0.00004; 1000 Genomes Project 30x 0.00016; 1000 Genomes Project 0.00020.
gnomAD v4.1: 20 of 1,613,156 alleles (0.0012%); highest among the groups gnomAD compares: East Asian, 0.0067%; no homozygotes.

Submissions (4):

PreventionGenetics, part of Exact Sciences
Classification: Uncertain significance for TTN-related condition. Last evaluated: 2026-09-09. Review status: criteria provided, single submitter. Criteria: ACMG Guidelines, 2015. Collection method: clinical testing. Allele origin: germline.
Comment: The TTN c.20170G>A variant is predicted to result in the amino acid substitution p.Val6724Ile. To our knowledge, this variant has not been reported in the literature. This variant is reported in 0.012% of alleles in individuals of African descent in gnomAD. At this time, the clinical significance of this variant is uncertain due to the absence of conclusive functional and genetic evidence.

Fulgent Genetics
Classification: Uncertain significance for Tibial muscular dystrophy; Myopathy, myofibrillar, 9, with early respiratory failure; Dilated cardiomyopathy 1G; Autosomal recessive limb-girdle muscular dystrophy type 2J; Early-onset myopathy with fatal cardiomyopathy; Hypertrophic cardiomyopathy 9. Last evaluated: 2021-08-19. Review status: criteria provided, single submitter. Criteria: ACMG Guidelines, 2015. Collection method: clinical testing. Allele origin: unknown.

Revvity Omics, Revvity
Classification: Uncertain significance. Last evaluated: 2020-02-21. Review status: criteria provided, single submitter. Criteria: ACMG Guidelines, 2015. Collection method: clinical testing. Allele origin: germline.

GeneDx
Classification: Uncertain significance. Last evaluated: 2013-05-28. Review status: criteria provided, single submitter. Criteria: GeneDx Variant Classification (06012015). Collection method: clinical testing. Allele origin: germline. Affected: yes.
Comment: Missense variants in the TTN gene are considered 'unclassified' if they are not previously reported in the literature and do not have >1% frequency in the population to be considered a polymorphism. Research indicates that truncating mutations in the TTN gene are expected to account for approximately 25% of familial and 18% of sporadic idiopathic DCM; however, truncating variants in the TTN gene have been reported in approximately 3% of reported control alleles. There has been little investigation into non-truncating variants. (Herman D et al. Truncations of titin causing dilated cardiomyopathy. N Eng J Med 366:619-628, 2012) The variant is found in DCM panel(s).

NM_001267550.2(TTN):c.20170G>A (p.Val6724Ile)

Genes: TTN (titin; minus strand), LOC126806429 (BRD4-independent group 4 enhancer GRCh37_chr2:179591393-179592592; plus strand). Cytogenetic location: 2q31.2.
Variant type: single nucleotide variant.
Coding change: c.20170G>A on transcript NM_001267550.2 (MANE Select); coding-DNA position 20170, G replaced by A.
Protein change: p.Val6724Ile; replaces valine 6724 with isoleucine.
Molecular consequence: missense variant. On other transcripts: intron variant (3).
Genome position (GRCh38, 1-based): chr2:178,727,195, C>T on the plus strand (G>A on the coding strand, the complement: TTN is on the minus strand). VCF-style: chr2-178727195-C-T. GRCh37 (hg19) VCF-style: chr2-179591922-C-T.
Other names: p.V6407I:GTC>ATC; c.19219G>A, p.Val6407Ile (NM_001256850.1); c.16438G>A, p.Val5480Ile (NM_133378.4); c.13282+10887G>A (NM_003319.4); c.13858+10887G>A (NM_133437.4); c.13657+10887G>A (NM_133432.3); short protein forms V6407I, V6724I, V5480I.
Identifiers: ClinVar variation 203284 (VCV000203284.7), dbSNP rs140143513, ClinGen allele CA311916.